The following is an entry in ClinVar:

NM_000520.6(HEXA):c.1331G>A (p.Gly444Asp)

Gene: HEXA (hexosaminidase subunit alpha; minus strand). Cytogenetic location: 15q23.
Variant type: single nucleotide variant.
Coding change: c.1331G>A on transcript NM_000520.6 (MANE Select); coding-DNA position 1331, G replaced by A.
Protein change: p.Gly444Asp; replaces glycine 444 with aspartic acid.
Molecular consequence: missense variant. On other transcripts: non-coding transcript variant (1).
Genome position (GRCh38, 1-based): chr15:72,346,325, C>T on the plus strand (G>A on the coding strand, the complement: HEXA is on the minus strand). VCF-style: chr15-72346325-C-T. GRCh37 (hg19) VCF-style: chr15-72638666-C-T.
Other names: c.1364G>A, p.Gly455Asp (NM_001318825.2); short protein forms G444D, G455D.
Identifiers: ClinVar variation 2168867 (VCV002168867.1), dbSNP rs754440146, ClinGen allele CA393059420.

ClinVar aggregate classification (germline): Uncertain significance (1 of 4 stars; one submission).

Conditions:
Tay-Sachs disease (TSD). Also called: GM2 gangliosidosis, type 1; Hexosaminidase alpha-subunit deficiency (variant B); Sphingolipidosis, Tay-Sachs; Hexosaminidase A Deficiency; HEXA DEFICIENCY; HEXA Disorders. Identifiers: Orphanet 845, MedGen C0039373, MONDO:0010100, OMIM 272800.

gnomAD v4.1: 3 of 1,613,234 alleles (0.00019%); highest among the groups gnomAD compares: South Asian, 0.0033%; no homozygotes.

Submission:

Labcorp Genetics (formerly Invitae), Labcorp
Classification: Uncertain significance for Tay-Sachs disease. Last evaluated: 2018-04-12. Review status: criteria provided, single submitter. Criteria: Invitae Variant Classification Sherloc (09022015). Collection method: clinical testing. Allele origin: germline.
Comment: This sequence change replaces glycine with aspartic acid at codon 444 of the HEXA protein (p.Gly444Asp). The glycine residue is highly conserved and there is a moderate physicochemical difference between glycine and aspartic acid. This variant is not present in population databases (ExAC no frequency). This variant has not been reported in the literature in individuals with HEXA-related disease. Algorithms developed to predict the effect of missense changes on protein structure and function do not agree on the potential impact of this missense change (SIFT: "Tolerated"; PolyPhen-2: "Possibly Damaging"; Align-GVGD: "Class C0"). In summary, the available evidence is currently insufficient to determine the role of this variant in disease. Therefore, it has been classified as a Variant of Uncertain Significance.